The following is an entry in ClinVar:

ClinVar aggregate classification (germline): Uncertain significance (1 of 4 stars; one submission).

Conditions:
Hereditary cancer-predisposing syndrome. Also called: Neoplastic Syndromes, Hereditary; Tumor predisposition; Hereditary Cancer Syndrome; Hereditary neoplastic syndrome. Identifiers: Orphanet 140162, MedGen C0027672, MeSH D009386, MONDO:0015356.

Submission:

Ambry Genetics
Classification: Uncertain significance for Hereditary cancer-predisposing syndrome. Last evaluated: 2023-09-29. Review status: criteria provided, single submitter. Criteria: Ambry Variant Classification Scheme 2023. Collection method: clinical testing. Allele origin: germline.
Comment: The p.E541G variant (also known as c.1622A>G), located in coding exon 11 of the PMS2 gene, results from an A to G substitution at nucleotide position 1622. The glutamic acid at codon 541 is replaced by glycine, an amino acid with similar properties. This amino acid position is not well conserved in available vertebrate species. In addition, this alteration is predicted to be tolerated by in silico analysis. Since supporting evidence is limited at this time, the clinical significance of this alteration remains unclear.

NM_000535.7(PMS2):c.1622A>G (p.Lys541Arg)

Gene: PMS2 (PMS1 homolog 2, mismatch repair system component; minus strand). Cytogenetic location: 7p22.1.
Variant type: single nucleotide variant.
Coding change: c.1622A>G on transcript NM_000535.7 (MANE Select); coding-DNA position 1622, A replaced by G.
Protein change: p.Lys541Arg; replaces lysine 541 with arginine.
Molecular consequence: missense variant. On other transcripts: non-coding transcript variant (1).
Genome position (GRCh38, 1-based): chr7:5,987,143, T>C on the plus strand (A>G on the coding strand, the complement: PMS2 is on the minus strand). VCF-style: chr7-5987143-T-C. GRCh37 (hg19) VCF-style: chr7-6026774-T-C.
Other names: c.1217A>G, p.Lys406Arg (NM_001322003.2, NM_001322004.2, NM_001322005.2 and 1 more transcripts); c.1466A>G, p.Lys489Arg (NM_001322006.2); c.1304A>G, p.Lys435Arg (NM_001322007.2, NM_001322008.2); c.1061A>G, p.Lys354Arg (NM_001322010.2); c.689A>G, p.Lys230Arg (NM_001322011.2, NM_001322012.2); c.1049A>G, p.Lys350Arg (NM_001322013.2); c.1622A>G, p.Lys541Arg (NM_001322014.2); c.1313A>G, p.Lys438Arg (NM_001322015.2); short protein forms K541R, K230R, K406R, K438R, K350R, K354R, K435R, K489R.
Identifiers: ClinVar variation 140802 (VCV000140802.2), dbSNP rs587781289, ClinGen allele CA009939.
Genomic context (GRCh38, chr7:5,987,143, plus strand): 5'-TTACATCCGGTATCTTCCTGGTTTGAATGGCAGTCCACATCTGAAAAAGAGTCGTCAGTT[T>C]TAGGCGCTTTCTCCTGAGAGTCCACATGTTCCTGCGAGCCCCTGTCCCCTGGGGAGCTGG-3'
Protein context (NP_000526.2, residues 531-551): EHVDSQEKAP[Lys541Arg]TDDSFSDVDC